The following is an entry in ClinVar:

ClinVar aggregate classification (germline): Likely pathogenic (1 of 4 stars; one submission).

Submission:

CeGaT Center for Human Genetics Tuebingen
Classification: Likely pathogenic. Last evaluated: 2024-02-01. Review status: criteria provided, single submitter. Criteria: CeGaT Center For Human Genetics Tuebingen Variant Classification Criteria Version 2. Collection method: clinical testing. Allele origin: germline. Affected: yes. Observed: 1 variant allele.
Comment: CD59: PVS1:Strong, PM2, PM3:Supporting

NM_000611.6(CD59):c.183_184dup (p.Asn62fs)

Gene: CD59 (CD59 molecule (CD59 blood group); minus strand). Cytogenetic location: 11p13.
Variant type: Microsatellite.
Coding change: c.183_184dup on transcript NM_000611.6 (MANE Select); coding-DNA positions 183 to 184, 2 bases duplicated (TA; older notation c.183_184dupTA).
Protein change: p.Asn62fs; shifts the reading frame from asparagine 62.
Molecular consequence: frameshift variant.
Genome position (GRCh38, 1-based): chr11:33,710,329-33,710,330, TA duplicated on the plus strand (TA on the coding strand, the reverse complement: CD59 is on the minus strand); duplicating any 2 consecutive bases within chr11:33,710,329-33,710,332 gives the same sequence; the c. name uses the placement nearest the transcript's 3' end. VCF-style (leftmost placement, unchanged base first): chr11-33710328-T-TTA. GRCh37 (hg19) VCF-style: chr11-33731874-T-TTA.
Other names: c.183_184dup, p.Asn62fs (NM_001127223.1, NM_001127225.2, NM_001127226.2 and 4 more transcripts); short protein forms N62fs.
Identifiers: ClinVar variation 3027278 (VCV003027278.22), dbSNP rs2495427706, ClinGen allele CA2740093684.